The following is an entry in ClinVar:

ClinVar aggregate classification (germline): Uncertain significance (1 of 4 stars; one submission).

Conditions:
Hypercholesterolemia, autosomal dominant, 3 (FHCL3). Also called: PCSK9-Related Familial Hypercholesterolemia, Autosomal Dominant; Familial Hypercholesterolemia, Autosomal Dominant, 3; Familial hypercholesterolemia 3. Identifiers: MedGen C1863551, MONDO:0011369, OMIM 603776.

gnomAD v4.1: 1 of 1,579,914 alleles (0.000063%); highest among the groups gnomAD compares: Non-Finnish European, 0.000086%; no homozygotes.

Submission:

All of Us Research Program, National Institutes of Health
Classification: Uncertain significance for Hypercholesterolemia, autosomal dominant, 3. Last evaluated: 2023-02-24. Review status: criteria provided, single submitter. Criteria: ACMG Guidelines, 2015. Collection method: clinical testing. Allele origin: germline. Inheritance: Autosomal dominant inheritance. Observed: 1 variant allele, 1 heterozygote.
Comment: This missense variant replaces glycine with aspartic acid at codon 51 of the PCSK9 protein. Computational prediction suggests that this variant may not impact protein structure and function (internally defined REVEL score threshold <= 0.5, PMID: 27666373). To our knowledge, functional studies have not been reported for this variant. This variant has not been reported in individuals affected with PCSK9-related disorders in the literature. This variant has not been identified in the general population by the Genome Aggregation Database (gnomAD). The available evidence is insufficient to determine the role of this variant in disease conclusively. Therefore, this variant is classified as a Variant of Uncertain Significance.

This study involves interpretation of variants in research participants for the purpose of population health screening. Participant phenotype was not available at the time of variant classification. Additional details can be found in publication PMID: 35346344, PMCID: PMC8962531

NM_174936.4(PCSK9):c.152G>A (p.Gly51Asp)

Gene: PCSK9 (proprotein convertase subtilisin/kexin type 9; plus strand). Cytogenetic location: 1p32.3.
Variant type: single nucleotide variant.
Coding change: c.152G>A on transcript NM_174936.4 (MANE Select); coding-DNA position 152, G replaced by A.
Protein change: p.Gly51Asp; replaces glycine 51 with aspartic acid.
Molecular consequence: missense variant. On other transcripts: 5 prime UTR variant (1), non-coding transcript variant (8).
Genome position (GRCh38, 1-based): chr1:55,039,989, G>A. VCF-style: chr1-55039989-G-A. GRCh37 (hg19) VCF-style: chr1-55505662-G-A.
Other names: c.152G>A, p.Gly51Asp (NM_001407242.1, NM_001407240.1, NM_001407241.1 and 4 more transcripts); c.-583G>A (NM_001407246.1); short protein forms G51D.
Identifiers: ClinVar variation 3069590 (VCV003069590.1), dbSNP rs1007223180, ClinGen allele CA340482880.